The following is an entry in ClinVar:

NM_004990.4(MARS1):c.511A>G (p.Ser171Gly)

Gene: MARS1 (methionyl-tRNA synthetase 1; plus strand). Cytogenetic location: 12q13.3.
Variant type: single nucleotide variant.
Coding change: c.511A>G on transcript NM_004990.4 (MANE Select); coding-DNA position 511, A replaced by G.
Protein change: p.Ser171Gly; replaces serine 171 with glycine.
Molecular consequence: missense variant.
Genome position (GRCh38, 1-based): chr12:57,490,227, A>G. VCF-style: chr12-57490227-A-G. GRCh37 (hg19) VCF-style: chr12-57884010-A-G.
Other names: short protein forms S171G.
Identifiers: ClinVar variation 1681695 (VCV001681695.8), dbSNP rs142331178, ClinGen allele CA385491816.
Genomic context (GRCh38, chr12:57,490,227, plus strand): 5'-TCCTTATGTTTGCTGATTTTCTTTTCTTCCATACCCACAGAGGAGCTGAGTGCCCTGCAC[A>G]GCTGGTTCCAGACACTGAGTACCCAGGAACCATGTCAGCGAGCTGCAGAGACTGTACTGA-3'
Protein context (NP_004981.2, residues 161-181): YLPEELSALH[Ser171Gly]WFQTLSTQEP

ClinVar aggregate classification (germline): Uncertain significance (1 of 4 stars; one submission).

Conditions:
Severe early-onset pulmonary alveolar proteinosis due to MARS deficiency. Also called: PULMONARY ALVEOLAR PROTEINOSIS, REUNION ISLAND; Interstitial lung and liver disease. Identifiers: Orphanet 440427, MedGen C4225400, MONDO:0014206, OMIM 615486.
Charcot-Marie-Tooth disease axonal type 2U. Also called: CHARCOT-MARIE-TOOTH NEUROPATHY, TYPE 2U; CHARCOT-MARIE-TOOTH DISEASE, AXONAL, AUTOSOMAL DOMINANT, TYPE 2U. Identifiers: Orphanet 397735, MedGen C4084821, MONDO:0014566, OMIM 616280.

Submission:

Labcorp Genetics (formerly Invitae), Labcorp
Classification: Uncertain significance for Charcot-Marie-Tooth disease axonal type 2U; Severe early-onset pulmonary alveolar proteinosis due to MARS deficiency. Last evaluated: 2021-07-14. Review status: criteria provided, single submitter. Criteria: Invitae Variant Classification Sherloc (09022015). Collection method: clinical testing. Allele origin: germline.
Comment: In summary, the available evidence is currently insufficient to determine the role of this variant in disease. Therefore, it has been classified as a Variant of Uncertain Significance. Algorithms developed to predict the effect of missense changes on protein structure and function (SIFT, PolyPhen-2, Align-GVGD) all suggest that this variant is likely to be tolerated. This variant has not been reported in the literature in individuals affected with MARS-related conditions. This variant is not present in population databases (ExAC no frequency). This sequence change replaces serine with glycine at codon 171 of the MARS protein (p.Ser171Gly). The serine residue is moderately conserved and there is a small physicochemical difference between serine and glycine.